The following is an entry in ClinVar:

ClinVar aggregate classification (germline): Pathogenic (1 of 4 stars; one submission).

Conditions:
Schimke immuno-osseous dysplasia (SIOD). Also called: Schimke Immunoosseous Dysplasia. Identifiers: Orphanet 1830, MedGen C0877024, MONDO:0009458, OMIM 242900.

Allele frequency attached by ClinVar (database versions not stated): gnomAD exomes below 0.00001 and 0.00001.
gnomAD v4.1: 2 of 1,612,570 alleles (0.00012%); highest among the groups gnomAD compares: Admixed American, 0.0033%; no homozygotes.

Submission:

Labcorp Genetics (formerly Invitae), Labcorp
Classification: Pathogenic for Schimke immuno-osseous dysplasia. Last evaluated: 2023-06-27. Review status: criteria provided, single submitter. Criteria: Invitae Variant Classification Sherloc (09022015). Collection method: clinical testing. Allele origin: germline.
Comment: For these reasons, this variant has been classified as Pathogenic. ClinVar contains an entry for this variant (Variation ID: 967180). This variant has not been reported in the literature in individuals affected with SMARCAL1-related conditions. This variant is present in population databases (no rsID available, gnomAD 0.006%). This sequence change creates a premature translational stop signal (p.Gln149*) in the SMARCAL1 gene. It is expected to result in an absent or disrupted protein product. Loss-of-function variants in SMARCAL1 are known to be pathogenic (PMID: 11799392, 20301550).

Literature cited by the submitters: PubMed 11799392; PubMed 20301550.

NM_014140.4(SMARCAL1):c.445C>T (p.Gln149Ter)

Gene: SMARCAL1 (SNF2 related chromatin remodeling annealing helicase 1; plus strand). Cytogenetic location: 2q35.
Variant type: single nucleotide variant.
Coding change: c.445C>T on transcript NM_014140.4 (MANE Select); coding-DNA position 445, C replaced by T.
Protein change: p.Gln149Ter; replaces glutamine 149 with a stop codon.
Molecular consequence: nonsense.
Genome position (GRCh38, 1-based): chr2:216,415,149, C>T. VCF-style: chr2-216415149-C-T. GRCh37 (hg19) VCF-style: chr2-217279872-C-T.
Other names: c.445C>T, p.Gln149Ter (NM_001127207.2); short protein forms Q149*.
Identifiers: ClinVar variation 967180 (VCV000967180.8), dbSNP rs1264577481, ClinGen allele CA350497321.